The following is an entry in ClinVar:

ClinVar aggregate classification (germline): Likely pathogenic (1 of 4 stars; one submission).

Conditions:
Nephrotic syndrome, type 18. Identifiers: MedGen C4748549, MONDO:0032581, OMIM 618177.

gnomAD v4.1: 5 of 1,601,252 alleles (0.00031%); highest among the groups gnomAD compares: East Asian, 0.0045%; no homozygotes.

Submission:

3billion
Classification: Likely pathogenic for Nephrotic syndrome, type 18. Last evaluated: 2022-01-03. Review status: criteria provided, single submitter. Criteria: ACMG Guidelines, 2015. Collection method: clinical testing. Allele origin: germline. Affected: yes. Observed: 1 heterozygote.
Comment: Stop-gained (nonsense): predicted to result in a loss or disruption of normal protein function through nonsense-mediated decay (NMD) or protein truncation. Multiple pathogenic variants are reported downstream of the variant (PVS1_VS). It is observed at an extremely low frequency in the gnomAD v2.1.1 dataset (total allele frequency: 0.000012, PM2_M). Therefore, this variant is classified as likely pathogenic according to the recommendation of ACMG/AMP guideline.

NM_018230.3(NUP133):c.196C>T (p.Arg66Ter)

Gene: NUP133 (nucleoporin 133; minus strand). Cytogenetic location: 1q42.13.
Variant type: single nucleotide variant.
Coding change: c.196C>T on transcript NM_018230.3 (MANE Select); coding-DNA position 196, C replaced by T.
Protein change: p.Arg66Ter; replaces arginine 66 with a stop codon.
Molecular consequence: nonsense.
Genome position (GRCh38, 1-based): chr1:229,506,145, G>A on the plus strand (C>T on the coding strand, the complement: NUP133 is on the minus strand). VCF-style: chr1-229506145-G-A. GRCh37 (hg19) VCF-style: chr1-229641892-G-A.
Other names: short protein forms R66*.
Identifiers: ClinVar variation 1333537 (VCV001333537.1), dbSNP rs760521214, ClinGen allele CA1443894.